The following is an entry in ClinVar:

NM_006206.6(PDGFRA):c.2241A>T (p.Glu747Asp)

Gene: PDGFRA (platelet derived growth factor receptor alpha; plus strand). Cytogenetic location: 4q12.
Variant type: single nucleotide variant.
Coding change: c.2241A>T on transcript NM_006206.6 (MANE Select); coding-DNA position 2241, A replaced by T.
Protein change: p.Glu747Asp; replaces glutamic acid 747 with aspartic acid.
Molecular consequence: missense variant.
Genome position (GRCh38, 1-based): chr4:54,280,400, A>T. VCF-style: chr4-54280400-A-T. GRCh37 (hg19) VCF-style: chr4-55146567-A-T.
Other names: c.2241A>T, p.Glu747Asp (NM_001347827.2, NM_001347829.2); c.2316A>T, p.Glu772Asp (NM_001347828.2); c.2280A>T, p.Glu760Asp (NM_001347830.2); short protein forms E760D, E747D, E772D.
Identifiers: ClinVar variation 1788284 (VCV001788284.7), dbSNP rs2475526967, ClinGen allele CA356894382.

ClinVar aggregate classification (germline): Uncertain significance. Review status: criteria provided, multiple submitters, no conflicts (2 of 4 stars). 2 submissions from 2 submitters: Uncertain significance (2). Last evaluated 2022-05-15.

Conditions:
Hereditary cancer-predisposing syndrome. Also called: Neoplastic Syndromes, Hereditary; Tumor predisposition; Hereditary Cancer Syndrome; Hereditary neoplastic syndrome. Identifiers: Orphanet 140162, MedGen C0027672, MeSH D009386, MONDO:0015356.
Gastrointestinal stromal tumor. Also called: Gastrointestinal stromal tumor, somatic; Gastrointestinal stroma tumor. Identifiers: Orphanet 44890, MedGen C0238198, MeSH D046152, MONDO:0011719, OMIM 606764, HP:0100723.

Submissions (2):

Labcorp Genetics (formerly Invitae), Labcorp
Classification: Uncertain significance for Gastrointestinal stromal tumor. Last evaluated: 2022-05-15. Review status: criteria provided, single submitter. Criteria: Invitae Variant Classification Sherloc (09022015). Collection method: clinical testing. Allele origin: germline.
Comment: Algorithms developed to predict the effect of missense changes on protein structure and function are either unavailable or do not agree on the potential impact of this missense change (SIFT: "Tolerated"; PolyPhen-2: "Probably Damaging"; Align-GVGD: "Class C0"). In summary, the available evidence is currently insufficient to determine the role of this variant in disease. Therefore, it has been classified as a Variant of Uncertain Significance. This variant has not been reported in the literature in individuals affected with PDGFRA-related conditions. This variant is not present in population databases (gnomAD no frequency). This sequence change replaces glutamic acid, which is acidic and polar, with aspartic acid, which is acidic and polar, at codon 747 of the PDGFRA protein (p.Glu747Asp).

Ambry Genetics
Classification: Uncertain significance for Hereditary cancer-predisposing syndrome. Last evaluated: 2022-05-12. Review status: criteria provided, single submitter. Criteria: Ambry Variant Classification Scheme 2023. Collection method: clinical testing. Allele origin: germline.
Comment: The p.E747D variant (also known as c.2241A>T), located in coding exon 15 of the PDGFRA gene, results from an A to T substitution at nucleotide position 2241. The glutamic acid at codon 747 is replaced by aspartic acid, an amino acid with highly similar properties. This amino acid position is conserved. In addition, the in silico prediction for this alteration is inconclusive. Since supporting evidence is limited at this time, the clinical significance of this alteration remains unclear.